The following is an entry in ClinVar:

ClinVar aggregate classification (germline): Likely benign (1 of 4 stars; one submission).

Conditions:
Leigh syndrome (NULS). Also called: Leigh's necrotizing encephalopathy; Leigh's disease; Leigh's syndrome; LEIGH SYNDROME, NUCLEAR; Leigh Syndrome (mtDNA deletion); Leigh Disease. Identifiers: Orphanet 506, MedGen C2931891, MONDO:0009723, OMIM 256000.

Submission:

Wong Mito Lab, Molecular and Human Genetics, Baylor College of Medicine
Classification: Likely benign for Leigh syndrome. Last evaluated: 2019-10-17. Review status: criteria provided, single submitter. Criteria: Modified ACMG Guidelines (Unpublished). Collection method: clinical testing. Allele origin: germline.
Comment: The NC_012920.1:m.15654T>C (YP_003024038.1:p.Met303Thr) variant in MTCYB gene is interpretated to be a Likely Benign variant based on the modified ACMG guidelines (unpublished). This variant meets the following evidence codes: BS1, BP4

NC_012920.1(MT-CYB):m.15654T>C

Gene: MT-CYB (mitochondrially encoded cytochrome b; plus strand).
Variant type: single nucleotide variant.
Genome position: chrM-15654-T-C.
Identifiers: ClinVar variation 693925 (VCV000693925.1), dbSNP rs1556424638, ClinGen allele CA913174468.